The following is an entry in ClinVar:

NM_000748.3(CHRNB2):c.109C>T (p.Leu37=)

Gene: CHRNB2 (cholinergic receptor nicotinic beta 2 subunit; plus strand). Cytogenetic location: 1q21.3.
Variant type: single nucleotide variant.
Coding change: c.109C>T on transcript NM_000748.3 (MANE Select); coding-DNA position 109, C replaced by T.
Protein change: p.Leu37=; no amino-acid change (leucine 37 retained).
Molecular consequence: synonymous variant.
Genome position (GRCh38, 1-based): chr1:154,569,506, C>T. VCF-style: chr1-154569506-C-T. GRCh37 (hg19) VCF-style: chr1-154541982-C-T.
Other names: p.Leu37=.
Identifiers: ClinVar variation 377680 (VCV000377680.51), dbSNP rs71651693, ClinGen allele CA1130629.

ClinVar aggregate classification (germline): Benign/Likely benign. Review status: criteria provided, multiple submitters, no conflicts (2 of 4 stars). 6 submissions from 6 submitters: Benign (3); Likely benign (3). Last evaluated 2026-02-02.

Conditions:
Familial sleep-related hypermotor epilepsy. Also called: Autosomal Dominant Sleep-Related Hypermotor (Hyperkinetic) Epilepsy. Identifiers: Orphanet 98784, MedGen C3696898, MONDO:0000030.

Allele frequency attached by ClinVar (database versions not stated): gnomAD 0.00011 and 0.00015; TOPMed 0.00011; ESP Exome Variant Server 0.00015; gnomAD exomes 0.00019 and 0.00026; ExAC 0.00029.

Submissions (6):

Labcorp Genetics (formerly Invitae), Labcorp
Classification: Benign. Last evaluated: 2026-02-02. Review status: criteria provided, single submitter. Criteria: Invitae Variant Classification Sherloc (09022015). Collection method: clinical testing. Allele origin: germline.

Mayo Clinic Laboratories, Mayo Clinic
Classification: Benign. Last evaluated: 2024-12-27. Review status: criteria provided, single submitter. Criteria: ACMG Guidelines, 2015. Collection method: clinical testing. Allele origin: germline. Observed: 1 variant allele.
Comment: BS1, BS2, BP4, BP7

Blueprint Genetics
Classification: Likely benign. Last evaluated: 2024-02-14. Review status: criteria provided, single submitter. Criteria: ACMG Guidelines, 2015. Collection method: clinical testing. Allele origin: germline.

CeGaT Center for Human Genetics Tuebingen
Classification: Likely benign. Last evaluated: 2023-06-01. Review status: criteria provided, single submitter. Criteria: CeGaT Center For Human Genetics Tuebingen Variant Classification Criteria Version 2. Collection method: clinical testing. Allele origin: germline. Affected: yes. Observed: 4 variant alleles.
Comment: CHRNB2: BP4, BP7, BS1

GeneDx
Classification: Likely benign. Last evaluated: 2019-10-07. Review status: criteria provided, single submitter. Criteria: GeneDx Variant Classification Process June 2021. Collection method: clinical testing. Allele origin: germline. Affected: yes.

Athena Diagnostics
Classification: Benign. Last evaluated: 2018-06-13. Review status: criteria provided, single submitter. Criteria: Athena Diagnostics Criteria. Collection method: clinical testing. Allele origin: germline.